The following is an entry in ClinVar:

NM_005157.6(ABL1):c.3098T>C (p.Leu1033Pro)

Gene: ABL1 (ABL proto-oncogene 1, non-receptor tyrosine kinase; plus strand). Cytogenetic location: 9q34.12.
Variant type: single nucleotide variant.
Coding change: c.3098T>C on transcript NM_005157.6 (MANE Select); coding-DNA position 3098, T replaced by C.
Protein change: p.Leu1033Pro; replaces leucine 1033 with proline.
Molecular consequence: missense variant.
Genome position (GRCh38, 1-based): chr9:130,885,388, T>C. VCF-style: chr9-130885388-T-C. GRCh37 (hg19) VCF-style: chr9-133760775-T-C.
Other names: c.3155T>C, p.Leu1052Pro (NM_007313.3); short protein forms L1033P, L1052P.
Identifiers: ClinVar variation 4076775 (VCV004076775.1).

ClinVar aggregate classification (germline): Uncertain significance (1 of 4 stars; one submission).

Submission:

GeneDx
Classification: Uncertain significance. Last evaluated: 2025-02-23. Review status: criteria provided, single submitter. Criteria: GeneDx Variant Classification Process June 2021. Collection method: clinical testing. Allele origin: germline. Affected: yes.
Comment: Not observed at significant frequency in large population cohorts (gnomAD); In silico analysis supports that this missense variant has a deleterious effect on protein structure/function; Has not been previously published as pathogenic or benign to our knowledge